The following is an entry in ClinVar:

NM_198578.4(LRRK2):c.7558A>G (p.Lys2520Glu)

Gene: LRRK2 (leucine rich repeat kinase 2; plus strand). Cytogenetic location: 12q12.
Variant type: single nucleotide variant.
Coding change: c.7558A>G on transcript NM_198578.4 (MANE Select); coding-DNA position 7558, A replaced by G.
Protein change: p.Lys2520Glu; replaces lysine 2520 with glutamic acid.
Molecular consequence: missense variant.
Genome position (GRCh38, 1-based): chr12:40,367,739, A>G. VCF-style: chr12-40367739-A-G. GRCh37 (hg19) VCF-style: chr12-40761541-A-G.
Other names: short protein forms K2520E.
Identifiers: ClinVar variation 3291999 (VCV003291999.1).

ClinVar aggregate classification (germline): Uncertain significance (1 of 4 stars; one submission).

Conditions:
Inborn genetic diseases. Identifiers: MedGen C0950123, MeSH D030342.

Submission:

Ambry Genetics
Classification: Uncertain significance for Inborn genetic diseases. Last evaluated: 2024-05-08. Review status: criteria provided, single submitter. Criteria: Ambry Variant Classification Scheme 2023. Collection method: clinical testing. Allele origin: germline.
Comment: The p.K2520E variant (also known as c.7558A>G), located in coding exon 51 of the LRRK2 gene, results from an A to G substitution at nucleotide position 7558. The lysine at codon 2520 is replaced by glutamic acid, an amino acid with similar properties. This amino acid position is conserved. In addition, the in silico prediction for this alteration is inconclusive. Based on the available evidence, the clinical significance of this variant remains unclear.